The following is an entry in ClinVar:

NM_002499.4(NEO1):c.725-4_725-3del

Gene: NEO1 (neogenin 1; plus strand). Cytogenetic location: 15q24.1.
Variant type: Deletion.
Coding change: c.725-4_725-3del on transcript NM_002499.4 (MANE Select); 4 bases into the intron before coding-DNA position 725 through 3 bases into the intron before coding-DNA position 725, 2 bases deleted (TT; older notation c.725-4_725-3delTT).
Molecular consequence: intron variant.
Genome position (GRCh38, 1-based): chr15:73,126,413-73,126,414, TT deleted; deleting any 2 consecutive bases within chr15:73,126,401-73,126,414 gives the same sequence; the c. name uses the placement nearest the transcript's 3' end. VCF-style (leftmost placement, unchanged base first): chr15-73126400-ATT-A. GRCh37 (hg19) VCF-style: chr15-73418741-ATT-A.
Other names: c.725-4_725-3del (NM_001172624.2, NM_001419531.1, NM_001172623.2).
Identifiers: ClinVar variation 3044362 (VCV003044362.2), dbSNP rs747845315, ClinGen allele CA7647710.

ClinVar aggregate classification (germline): Benign (0 of 4 stars; one submission).

Conditions:
NEO1-related disorder. Also called: NEO1-related condition.

Submission:

PreventionGenetics, part of Exact Sciences
Classification: Benign for NEO1-related condition. Last evaluated: 2019-06-06. Review status: no assertion criteria provided. Collection method: clinical testing. Allele origin: germline.
Comment: This variant is classified as benign based on ACMG/AMP sequence variant interpretation guidelines (Richards et al. 2015 PMID: 25741868, with internal and published modifications).